The following is an entry in ClinVar:

ClinVar aggregate classification (germline): Uncertain significance (1 of 4 stars; one submission).

Conditions:
Brugada syndrome 8 (BRGDA8). Identifiers: Orphanet 130, MedGen C2751083, MONDO:0013148, OMIM 613123.

gnomAD v4.1: 1 of 1,490,724 alleles (0.000067%); highest among the groups gnomAD compares: Non-Finnish European, 0.000089%; no homozygotes.

Submission:

Labcorp Genetics (formerly Invitae), Labcorp
Classification: Uncertain significance for Brugada syndrome 8. Last evaluated: 2025-12-31. Review status: criteria provided, single submitter. Criteria: Invitae Variant Classification Sherloc (09022015). Collection method: clinical testing. Allele origin: germline.
Comment: This sequence change replaces glycine, which is neutral and non-polar, with aspartic acid, which is acidic and polar, at codon 1077 of the HCN4 protein (p.Gly1077Asp). This variant is not present in population databases (gnomAD no frequency). This variant has not been reported in the literature in individuals affected with HCN4-related conditions. Invitae Evidence Modeling of protein sequence and biophysical properties (such as structural, functional, and spatial information, amino acid conservation, physicochemical variation, residue mobility, and thermodynamic stability) indicates that this missense variant is not expected to disrupt HCN4 protein function with a negative predictive value of 95%. In summary, the available evidence is currently insufficient to determine the role of this variant in disease. Therefore, it has been classified as a Variant of Uncertain Significance.

NM_005477.3(HCN4):c.3230G>A (p.Gly1077Asp)

Gene: HCN4 (hyperpolarization activated cyclic nucleotide gated potassium channel 4; minus strand). Cytogenetic location: 15q24.1.
Variant type: single nucleotide variant.
Coding change: c.3230G>A on transcript NM_005477.3 (MANE Select); coding-DNA position 3230, G replaced by A.
Protein change: p.Gly1077Asp; replaces glycine 1077 with aspartic acid.
Molecular consequence: missense variant.
Genome position (GRCh38, 1-based): chr15:73,322,863, C>T on the plus strand (G>A on the coding strand, the complement: HCN4 is on the minus strand). VCF-style: chr15-73322863-C-T. GRCh37 (hg19) VCF-style: chr15-73615204-C-T.
Other names: short protein forms G1077D.
Identifiers: ClinVar variation 4709580 (VCV004709580.1).